The following is an entry in ClinVar:

NM_006269.2(RP1):c.4954C>T (p.Arg1652Cys)

Genes: RP1 (RP1 axonemal microtubule associated; plus strand), LOC126860392 (CDK7 strongly-dependent group 2 enhancer GRCh37_chr8:55541319-55542518; plus strand). Cytogenetic location: 8q12.1.
Variant type: single nucleotide variant.
Coding change: c.4954C>T on transcript NM_006269.2 (MANE Select); coding-DNA position 4954, C replaced by T.
Protein change: p.Arg1652Cys; replaces arginine 1652 with cysteine.
Molecular consequence: missense variant. On other transcripts: intron variant (1).
Genome position (GRCh38, 1-based): chr8:54,628,836, C>T. VCF-style: chr8-54628836-C-T. GRCh37 (hg19) VCF-style: chr8-55541396-C-T.
Other names: c.787+6548C>T (NM_001375654.1); c.4954C>T (NM_006269.1); short protein forms R1652C.
Identifiers: ClinVar variation 1148883 (VCV001148883.31), dbSNP rs151328121, ClinGen allele CA4751976.

ClinVar aggregate classification (germline): Likely benign. Review status: criteria provided, multiple submitters, no conflicts (2 of 4 stars). 4 submissions from 4 submitters: Likely benign (3). 1 of the submissions does not count toward it. Last evaluated 2025-12-20.

Conditions:
RP1-related disorder. Also called: RP1-related condition.

Allele frequency attached by ClinVar (database versions not stated): gnomAD exomes 0.00029; ExAC 0.00038; 1000 Genomes Project 30x 0.00078; 1000 Genomes Project 0.00100; ESP Exome Variant Server 0.00108; gnomAD 0.00122 and 0.00132; TOPMed 0.00144.
gnomAD v4.1: 409 of 1,614,008 alleles (0.025%); highest among the groups gnomAD compares: African/African-American, 0.48%; 1 homozygote.

Submissions (4):

Labcorp Genetics (formerly Invitae), Labcorp
Classification: Likely benign. Last evaluated: 2025-12-20. Review status: criteria provided, single submitter. Criteria: Invitae Variant Classification Sherloc (09022015). Collection method: clinical testing. Allele origin: germline.

Blueprint Genetics
Classification: Likely benign. Last evaluated: 2024-07-10. Review status: criteria provided, single submitter. Criteria: ACMG Guidelines, 2015. Collection method: clinical testing. Allele origin: germline.

CeGaT Center for Human Genetics Tuebingen
Classification: Likely benign. Last evaluated: 2024-01-01. Review status: criteria provided, single submitter. Criteria: CeGaT Center For Human Genetics Tuebingen Variant Classification Criteria Version 2. Collection method: clinical testing. Allele origin: germline. Affected: yes. Observed: 1 variant allele.
Comment: RP1: BP4

PreventionGenetics, part of Exact Sciences
Classification: Likely benign for RP1-related condition. Last evaluated: 2022-04-06. Review status: no assertion criteria provided. Collection method: clinical testing. Allele origin: germline. Not counted in ClinVar's aggregate classification.
Comment: This variant is classified as likely benign based on ACMG/AMP sequence variant interpretation guidelines (Richards et al. 2015 PMID: 25741868, with internal and published modifications).